The following is an entry in ClinVar:

NM_015274.3(MAN2B2):c.2363A>G (p.Gln788Arg)

Gene: MAN2B2 (mannosidase alpha class 2B member 2; plus strand). Cytogenetic location: 4p16.1.
Variant type: single nucleotide variant.
Coding change: c.2363A>G on transcript NM_015274.3 (MANE Select); coding-DNA position 2363, A replaced by G.
Protein change: p.Gln788Arg; replaces glutamine 788 with arginine.
Molecular consequence: missense variant.
Genome position (GRCh38, 1-based): chr4:6,610,983, A>G. VCF-style: chr4-6610983-A-G. GRCh37 (hg19) VCF-style: chr4-6612710-A-G.
Other names: c.2210A>G, p.Gln737Arg (NM_001292038.2); short protein forms Q737R, Q788R.
Identifiers: ClinVar variation 4688945 (VCV004688945.2).
Genomic context (GRCh38, chr4:6,610,983, plus strand): 5'-AAAGCAGGCTTGTGTTGCTGTCGGAGCGGGCACATGGCATCTCCAGCCAAGGGAATGGGC[A>G]GGTGGAGGTAGGAGGCACGGTCTGTCCTACAGCAGCCCCTCGCGGCCCCCTACAGGCATG-3'
Protein context (NP_056089.1, residues 778-798): AHGISSQGNG[Gln788Arg]VEVMLHRRLW

ClinVar aggregate classification (germline): Likely benign (1 of 4 stars; one submission).

gnomAD v4.1: 437 of 1,614,168 alleles (0.027%); highest among the groups gnomAD compares: African/African-American, 0.54%; 3 homozygotes.

Submission:

Women's Health and Genetics/Laboratory Corporation of America, LabCorp
Classification: Likely benign. Last evaluated: 2026-05-06. Review status: criteria provided, single submitter. Criteria: LabCorp Variant Classification Summary - May 2015. Collection method: clinical testing. Allele origin: germline.
Comment: Variant summary: MAN2B2 c.2363A>G (p.Gln788Arg) results in a conservative amino acid change in the encoded protein sequence. Algorithms developed to predict the effect of missense changes on protein structure and function are either unavailable or do not agree on the potential impact of this missense change. The variant allele was found at a frequency of 0.00034 in 251358 control chromosomes, predominantly at a frequency of 0.005 within the African or African-American subpopulation in the gnomAD database. The observed variant frequency within African or African-American control individuals in the gnomAD database exceeds the estimated maximal expected allele frequency for disease-causing variants in MAN2B2. To our knowledge, no occurrence of c.2363A>G in individuals affected with MAN2B2-related conditions and no experimental evidence demonstrating its impact on protein function have been reported. No submitters have cited clinical-significance assessments for this variant to ClinVar. Based on the evidence outlined above, the variant was classified as likely benign.